The following is an entry in ClinVar:

NM_025114.4(CEP290):c.2167C>T (p.Arg723Trp)

Gene: CEP290 (centrosomal protein 290; minus strand). Cytogenetic location: 12q21.32.
Variant type: single nucleotide variant.
Coding change: c.2167C>T on transcript NM_025114.4 (MANE Select); coding-DNA position 2167, C replaced by T.
Protein change: p.Arg723Trp; replaces arginine 723 with tryptophan.
Molecular consequence: missense variant.
Genome position (GRCh38, 1-based): chr12:88,111,744, G>A on the plus strand (C>T on the coding strand, the complement: CEP290 is on the minus strand). VCF-style: chr12-88111744-G-A. GRCh37 (hg19) VCF-style: chr12-88505521-G-A.
Other names: c.2167C>T (NM_025114.3); short protein forms R723W.
Identifiers: ClinVar variation 1501617 (VCV001501617.8), dbSNP rs372963403, ClinGen allele CA6712391.
Genomic context (GRCh38, chr12:88,111,744, plus strand): 5'-AAATTCTCACCTTTAAATTAGCTTTTGCCAACTGCTGTGAATAATTTATAGCCTCTTTCC[G>A]AGATTCCCTGAGCTCCTGTCTTAATTCTTCATTTCTTCCGGTAAGCTGATCAACTTGGGC-3'
Protein context (NP_079390.3, residues 713-733): EELRQELRES[Arg723Trp]KEAINYSQQL

ClinVar aggregate classification (germline): Uncertain significance. Review status: criteria provided, multiple submitters, no conflicts (2 of 4 stars). 4 submissions from 4 submitters: Uncertain significance (4). Last evaluated 2026-09-16.

Conditions:
Joubert syndrome 5 (JBTS5). Identifiers: Orphanet 2318, MedGen C1857780, MONDO:0012432, OMIM 610188.
Bardet-Biedl syndrome 14 (BBS14). Identifiers: Orphanet 110, MedGen C2673874, MONDO:0014442, OMIM 615991.
Meckel syndrome, type 4 (MKS4). Also called: MECKEL-GRUBER SYNDROME, TYPE 4. Identifiers: Orphanet 564, MedGen C1970161, MONDO:0012626, OMIM 611134.
Senior-Loken syndrome 6 (SLSN6). Identifiers: Orphanet 3156, MedGen C1857779, MONDO:0012433, OMIM 610189.
Leber congenital amaurosis 10 (LCA10). Identifiers: Orphanet 65, MedGen C1857821, MONDO:0012723, OMIM 611755.
Nephronophthisis. Also called: Juvenile Nephronophthisis. Identifiers: Orphanet 655, MedGen C0687120, MONDO:0019005, HP:0000090.
Joubert syndrome. Also called: Familial aplasia of the vermis; JOUBERT-BOLTSHAUSER SYNDROME. Identifiers: Orphanet 475, MedGen C5979921, MONDO:0018772.
Meckel-Gruber syndrome. Also called: Dysencephalia splachnocystica; DYSENCEPHALIA SPLANCHNOCYSTICA; GRUBER SYNDROME. Identifiers: Orphanet 564, MedGen C0265215, MONDO:0018921.
CEP290-related disorder. Also called: CEP290-related disorders; CEP290-related condition. Identifiers: MedGen CN239314.

Allele frequency attached by ClinVar (database versions not stated): ExAC 0.00001; gnomAD 0.00002; gnomAD exomes 0.00002; TOPMed 0.00002; ESP Exome Variant Server 0.00009.
gnomAD v4.1: 46 of 1,601,228 alleles (0.0029%); highest among the groups gnomAD compares: East Asian, 0.0046%; no homozygotes.

Submissions (4):

PreventionGenetics, part of Exact Sciences
Classification: Uncertain significance for CEP290-related condition. Last evaluated: 2026-09-16. Review status: criteria provided, single submitter. Criteria: ACMG Guidelines, 2015. Collection method: clinical testing. Allele origin: germline.
Comment: The CEP290 c.2167C>T variant is predicted to result in the amino acid substitution p.Arg723Trp. To our knowledge, this variant has not been reported in the literature. This variant is reported in 0.0043% of alleles in individuals of African descent in gnomAD. At this time, the clinical significance of this variant is uncertain due to the absence of conclusive functional and genetic evidence.

Labcorp Genetics (formerly Invitae), Labcorp
Classification: Uncertain significance for Joubert syndrome; Meckel-Gruber syndrome; Nephronophthisis. Last evaluated: 2022-02-02. Review status: criteria provided, single submitter. Criteria: Invitae Variant Classification Sherloc (09022015). Collection method: clinical testing. Allele origin: germline.
Comment: This sequence change replaces arginine, which is basic and polar, with tryptophan, which is neutral and slightly polar, at codon 723 of the CEP290 protein (p.Arg723Trp). This variant is present in population databases (rs372963403, gnomAD 0.004%). This variant has not been reported in the literature in individuals affected with CEP290-related conditions. Algorithms developed to predict the effect of missense changes on protein structure and function are either unavailable or do not agree on the potential impact of this missense change (SIFT: "Deleterious"; PolyPhen-2: "Probably Damaging"; Align-GVGD: "Class C0"). In summary, the available evidence is currently insufficient to determine the role of this variant in disease. Therefore, it has been classified as a Variant of Uncertain Significance.

Fulgent Genetics
Classification: Uncertain significance for Joubert syndrome 5; Senior-Loken syndrome 6; Meckel syndrome, type 4; Leber congenital amaurosis 10; Bardet-Biedl syndrome 14. Last evaluated: 2021-09-21. Review status: criteria provided, single submitter. Criteria: ACMG Guidelines, 2015. Collection method: clinical testing. Allele origin: unknown.

Blueprint Genetics
Classification: Uncertain significance. Last evaluated: 2018-09-28. Review status: criteria provided, single submitter. Criteria: ACMG Guidelines, 2015. Collection method: clinical testing. Allele origin: germline.